The following is an entry in ClinVar:

ClinVar aggregate classification (germline): Conflicting classifications of pathogenicity. Review status: criteria provided, conflicting classifications (1 of 4 stars). 2 submissions from 2 submitters: Uncertain significance (1); Likely benign (1). Last evaluated 2022-07-29.

Allele frequency attached by ClinVar (database versions not stated): ESP Exome Variant Server 0.00008; ExAC 0.00016; gnomAD 0.00018; TOPMed 0.00018.
gnomAD v4.1: 253 of 1,614,002 alleles (0.016%); highest among the groups gnomAD compares: Non-Finnish European, 0.019%; no homozygotes.

Submissions (2):

Labcorp Genetics (formerly Invitae), Labcorp
Classification: Uncertain significance. Last evaluated: 2022-07-29. Review status: criteria provided, single submitter. Criteria: Invitae Variant Classification Sherloc (09022015). Collection method: clinical testing. Allele origin: germline.
Comment: This sequence change replaces aspartic acid, which is acidic and polar, with asparagine, which is neutral and polar, at codon 467 of the REL protein (p.Asp467Asn). This variant is present in population databases (rs199772834, gnomAD 0.06%). This variant has not been reported in the literature in individuals affected with REL-related conditions. Algorithms developed to predict the effect of missense changes on protein structure and function output the following: SIFT: "Tolerated"; PolyPhen-2: "Benign"; Align-GVGD: "Class C0". The asparagine amino acid residue is found in multiple mammalian species, which suggests that this missense change does not adversely affect protein function. In summary, the available evidence is currently insufficient to determine the role of this variant in disease. Therefore, it has been classified as a Variant of Uncertain Significance.

Ambry Genetics
Classification: Likely benign. Last evaluated: 2021-07-09. Review status: criteria provided, single submitter. Criteria: Ambry Variant Classification Scheme 2023. Collection method: clinical testing. Allele origin: germline.

NM_001291746.2(REL):c.1303G>A (p.Asp435Asn)

Gene: REL (REL proto-oncogene, NF-kB subunit; plus strand). Cytogenetic location: 2p16.1.
Variant type: single nucleotide variant.
Coding change: c.1303G>A on transcript NM_001291746.2 (MANE Select); coding-DNA position 1303, G replaced by A.
Protein change: p.Asp435Asn; replaces aspartic acid 435 with asparagine.
Molecular consequence: missense variant.
Genome position (GRCh38, 1-based): chr2:60,922,074, G>A. VCF-style: chr2-60922074-G-A. GRCh37 (hg19) VCF-style: chr2-61149209-G-A.
Other names: c.1399G>A, p.Asp467Asn (NM_002908.4); c.1399G>A (NM_002908.2); short protein forms D435N, D467N.
Identifiers: ClinVar variation 2184758 (VCV002184758.2), dbSNP rs199772834, ClinGen allele CA1672464.